The following is an entry in ClinVar:

ClinVar aggregate classification (germline): Uncertain significance (1 of 4 stars; one submission).

Allele frequency attached by ClinVar (database versions not stated): gnomAD exomes below 0.00001.
gnomAD v4.1: 2 of 1,613,990 alleles (0.00012%); highest among the groups gnomAD compares: Non-Finnish European, 0.00017%; no homozygotes.

Submission:

Labcorp Genetics (formerly Invitae), Labcorp
Classification: Uncertain significance. Last evaluated: 2022-10-13. Review status: criteria provided, single submitter. Criteria: Invitae Variant Classification Sherloc (09022015). Collection method: clinical testing. Allele origin: germline.
Comment: This sequence change replaces cysteine, which is neutral and slightly polar, with arginine, which is basic and polar, at codon 106 of the RP1 protein (p.Cys106Arg). This variant is not present in population databases (gnomAD no frequency). This variant has not been reported in the literature in individuals affected with RP1-related conditions. ClinVar contains an entry for this variant (Variation ID: 1006653). Algorithms developed to predict the effect of missense changes on protein structure and function (SIFT, PolyPhen-2, Align-GVGD) all suggest that this variant is likely to be disruptive. In summary, the available evidence is currently insufficient to determine the role of this variant in disease. Therefore, it has been classified as a Variant of Uncertain Significance.

NM_006269.2(RP1):c.316T>C (p.Cys106Arg)

Gene: RP1 (RP1 axonemal microtubule associated; plus strand). Cytogenetic location: 8q12.1.
Variant type: single nucleotide variant.
Coding change: c.316T>C on transcript NM_006269.2 (MANE Select); coding-DNA position 316, T replaced by C.
Protein change: p.Cys106Arg; replaces cysteine 106 with arginine.
Molecular consequence: missense variant.
Genome position (GRCh38, 1-based): chr8:54,621,282, T>C. VCF-style: chr8-54621282-T-C. GRCh37 (hg19) VCF-style: chr8-55533842-T-C.
Other names: c.316T>C, p.Cys106Arg (NM_001375654.1); short protein forms C106R.
Identifiers: ClinVar variation 1006653 (VCV001006653.8), dbSNP rs1805858355, ClinGen allele CA370986269.
Genomic context (GRCh38, chr8:54,621,282, plus strand): 5'-CCTCGGGGCAGGCACAGCATCACGCGCCTGGAGGAGCTGGAGGACGGCGAGTCCTACCTA[T>C]GTTCCCACGGCAGGAAGGTGCAGCCTGTAGACCTGGACAAAGCCCGTCGGCGCCCGCGGC-3'
Protein context (NP_006260.1, residues 96-116): EELEDGESYL[Cys106Arg]SHGRKVQPVD